The following is an entry in ClinVar:

ClinVar aggregate classification (germline): Uncertain significance (1 of 4 stars; one submission).

Allele frequency attached by ClinVar (database versions not stated): gnomAD exomes below 0.00001; ExAC 0.00001; gnomAD 0.00001.
gnomAD v4.1: 2 of 1,613,518 alleles (0.00012%); highest among the groups gnomAD compares: East Asian, 0.0022%; no homozygotes.

Submission:

Women's Health and Genetics/Laboratory Corporation of America, LabCorp
Classification: Uncertain significance. Last evaluated: 2024-01-04. Review status: criteria provided, single submitter. Criteria: LabCorp Variant Classification Summary - May 2015. Collection method: clinical testing. Allele origin: germline.
Comment: Variant summary: ZNF292 c.3767A>T (p.Asp1256Val) results in a non-conservative amino acid change in the encoded protein sequence. Four of five in-silico tools predict a damaging effect of the variant on protein function. The variant allele was found at a frequency of 4e-06 in 248242 control chromosomes (gnomAD). The available data on variant occurrences in the general population are insufficient to allow any conclusion about variant significance. To our knowledge, no occurrence of c.3767A>T in individuals affected with Autosomal Dominant Intellectual Developmental Disorder 64 and no experimental evidence demonstrating its impact on protein function have been reported. No submitters have cited clinical-significance assessments for this variant to ClinVar after 2014. Based on the evidence outlined above, the variant was classified as uncertain significance.

NM_015021.3(ZNF292):c.3767A>T (p.Asp1256Val)

Gene: ZNF292 (zinc finger protein 292; plus strand). Cytogenetic location: 6q14.3.
Variant type: single nucleotide variant.
Coding change: c.3767A>T on transcript NM_015021.3 (MANE Select); coding-DNA position 3767, A replaced by T.
Protein change: p.Asp1256Val; replaces aspartic acid 1256 with valine.
Molecular consequence: missense variant.
Genome position (GRCh38, 1-based): chr6:87,257,396, A>T. VCF-style: chr6-87257396-A-T. GRCh37 (hg19) VCF-style: chr6-87967114-A-T.
Other names: c.3347A>T, p.Asp1116Val (NM_001351444.2); short protein forms D1116V, D1256V.
Identifiers: ClinVar variation 1683346 (VCV001683346.2), dbSNP rs753893386, ClinGen allele CA3914173.
Genomic context (GRCh38, chr6:87,257,396, plus strand): 5'-GTACTGCCTTGCCAGCACAAATGGAAGATCTAACCAAAACAGTTCTGCCTTTGAATATTG[A>T]CAGTGGCTCAGATCCTTTCCTTCCTTTACCTGCAGAAAGTAGTTCAATGTCTCTCTTCCC-3'
Protein context (NP_055836.1, residues 1246-1266): LTKTVLPLNI[Asp1256Val]SGSDPFLPLP